The following is an entry in ClinVar:

ClinVar aggregate classification (germline): Uncertain significance (1 of 4 stars; one submission).

Allele frequency attached by ClinVar (database versions not stated): TOPMed below 0.00001.

Submission:

Labcorp Genetics (formerly Invitae), Labcorp
Classification: Uncertain significance. Last evaluated: 2022-05-25. Review status: criteria provided, single submitter. Criteria: Invitae Variant Classification Sherloc (09022015). Collection method: clinical testing. Allele origin: germline.
Comment: In summary, the available evidence is currently insufficient to determine the role of this variant in disease. Therefore, it has been classified as a Variant of Uncertain Significance. Algorithms developed to predict the effect of missense changes on protein structure and function are either unavailable or do not agree on the potential impact of this missense change (SIFT: "Deleterious"; PolyPhen-2: "Benign"; Align-GVGD: "Class C0"). This variant has not been reported in the literature in individuals affected with DARS-related conditions. This variant is not present in population databases (gnomAD no frequency). This sequence change replaces cysteine, which is neutral and slightly polar, with arginine, which is basic and polar, at codon 334 of the DARS protein (p.Cys334Arg).

NM_001349.4(DARS1):c.1000T>C (p.Cys334Arg)

Gene: DARS1 (aspartyl-tRNA synthetase 1; minus strand). Cytogenetic location: 2q21.3.
Variant type: single nucleotide variant.
Coding change: c.1000T>C on transcript NM_001349.4 (MANE Select); coding-DNA position 1000, T replaced by C.
Protein change: p.Cys334Arg; replaces cysteine 334 with arginine.
Molecular consequence: missense variant.
Genome position (GRCh38, 1-based): chr2:135,916,332, A>G on the plus strand (T>C on the coding strand, the complement: DARS1 is on the minus strand). VCF-style: chr2-135916332-A-G. GRCh37 (hg19) VCF-style: chr2-136673902-A-G.
Other names: c.700T>C, p.Cys234Arg (NM_001293312.1); short protein forms C334R, C234R.
Identifiers: ClinVar variation 1990479 (VCV001990479.4), dbSNP rs1681004873, ClinGen allele CA348650480.